The following is an entry in ClinVar:

ClinVar aggregate classification (germline): Conflicting classifications of pathogenicity. Review status: criteria provided, conflicting classifications (1 of 4 stars). 2 submissions from 2 submitters: Pathogenic (1); Uncertain significance (1). Last evaluated 2025-08-11.

Allele frequency attached by ClinVar (database versions not stated): ExAC 0.00003; gnomAD exomes 0.00005 and 0.00007; TOPMed 0.00007; gnomAD 0.00008; ESP Exome Variant Server 0.00024.

Submissions (2):

Labcorp Genetics (formerly Invitae), Labcorp
Classification: Pathogenic. Last evaluated: 2025-08-11. Review status: criteria provided, single submitter. Criteria: Invitae Variant Classification Sherloc (09022015). Collection method: clinical testing. Allele origin: germline.
Comment: This sequence change creates a premature translational stop signal (p.Tyr226*) in the DRAM2 gene. While this is not anticipated to result in nonsense mediated decay, it is expected to disrupt the last 41 amino acid(s) of the DRAM2 protein. This variant is present in population databases (rs771234779, gnomAD 0.01%). This premature translational stop signal has been observed in individual(s) with clinical features of inherited retinal dystrophy (PMID: 34662339). In at least one individual the data is consistent with being in trans (on the opposite chromosome) from a pathogenic variant. It has also been observed to segregate with disease in related individuals. ClinVar contains an entry for this variant (Variation ID: 856685). Experimental studies and prediction algorithms are not available or were not evaluated, and the functional significance of this variant is currently unknown. For these reasons, this variant has been classified as Pathogenic.

Blueprint Genetics
Classification: Uncertain significance. Last evaluated: 2022-11-06. Review status: criteria provided, single submitter. Criteria: ACMG Guidelines, 2015. Collection method: clinical testing. Allele origin: germline.

Literature cited by the submitters: PubMed 34662339 (cited by Labcorp Genetics (formerly Invitae), Labcorp).

NM_001349884.2(DRAM2):c.677dup (p.Tyr226Ter)

Gene: DRAM2 (DNA damage regulated autophagy modulator 2; minus strand). Cytogenetic location: 1p13.3.
Variant type: Duplication.
Coding change: c.677dup on transcript NM_001349884.2 (MANE Select); coding-DNA position 677, one base duplicated (A; older notation c.677dupA).
Protein change: p.Tyr226Ter; replaces tyrosine 226 with a stop codon.
Molecular consequence: nonsense. On other transcripts: non-coding transcript variant (8).
Genome position (GRCh38, 1-based): chr1:111,118,821, T duplicated on the plus strand (A on the coding strand, the reverse complement: DRAM2 is on the minus strand). VCF-style (leftmost placement, unchanged base first): chr1-111118820-G-GT. GRCh37 (hg19) VCF-style: chr1-111661442-G-GT.
Other names: c.677dup, p.Tyr226Ter (NM_001349881.2, NM_001349882.2, NM_001349885.2 and 1 more transcripts); c.407dup, p.Tyr136Ter (NM_001349886.2, NM_001349887.2, NM_001349888.2); c.287dup, p.Tyr96Ter (NM_001349889.2, NM_001349890.2, NM_001349891.2 and 2 more transcripts); short protein forms Y226*, Y136*, Y96*.
Identifiers: ClinVar variation 856685 (VCV000856685.8), dbSNP rs771234779, ClinGen allele CA1001765.